The following is an entry in ClinVar:

NC_000016.10:g.684388G>C

Gene: JMJD8 (jumonji domain containing 8; minus strand). Cytogenetic location: 16p13.3.
Variant type: single nucleotide variant.
Genome position: GRCh38 VCF-style: chr16-684388-G-C. GRCh37 (hg19) VCF-style: chr16-734388-G-C.
Identifiers: ClinVar variation 2645850 (VCV002645850.22), dbSNP rs377610819, ClinGen allele CA7787376.

ClinVar aggregate classification (germline): Likely benign (1 of 4 stars; one submission).

Allele frequency attached by ClinVar (database versions not stated): 1000 Genomes Project 0.00080; ExAC 0.00131; 1000 Genomes Project 30x 0.00156; ESP Exome Variant Server 0.00180.

Submission:

CeGaT Center for Human Genetics Tuebingen
Classification: Likely benign. Last evaluated: 2023-01-01. Review status: criteria provided, single submitter. Criteria: CeGaT Center For Human Genetics Tuebingen Variant Classification Criteria Version 2. Collection method: clinical testing. Allele origin: germline. Affected: yes. Observed: 1 variant allele.
Comment: JMJD8: BP4, BS2